The following is an entry in ClinVar:

ClinVar aggregate classification (germline): Conflicting classifications of pathogenicity. Review status: criteria provided, conflicting classifications (1 of 4 stars). 3 submissions from 3 submitters: Uncertain significance (2); Likely benign (1). Last evaluated 2024-03-26.

Conditions:
Dyskeratosis congenita, autosomal dominant 2. Identifiers: MedGen C3151443, MONDO:0013521, OMIM 613989.
Idiopathic Pulmonary Fibrosis. Also called: Idiopathic fibrosing alveolitis, chronic form; idiopathic fibrosing alveolitis. Identifiers: Orphanet 2032, MedGen C1800706, MeSH D054990, MONDO:0800504.
Dyskeratosis congenita. Identifiers: Orphanet 1775, MedGen C0265965, MONDO:0015780.
Pulmonary fibrosis and/or bone marrow failure, Telomere-related, 1. Also called: PULMONARY FIBROSIS AND/OR BONE MARROW FAILURE SYNDROME, TELOMERE-RELATED, 1. Identifiers: Orphanet 88, MedGen C3553617, MONDO:0013878, OMIM 614742.
Melanoma, cutaneous malignant, susceptibility to, 9. Also called: Cutaneous malignant melanoma 9. Identifiers: Orphanet 618, MedGen C3554574, MONDO:0014056, OMIM 615134.
Acute myeloid leukemia (AML). Also called: Acute myeloid leukemia, adult; AML adult; Acute non-lymphocytic leukemia; Acute granulocytic leukemia; Leukemia, acute myelogenous, somatic; Leukemia, acute myeloid, somatic. Identifiers: Orphanet 519, MedGen C0023467, MeSH D015470, MONDO:0018874, OMIM 601626, HP:0004808. Disease mechanism: Constitutively activated FLT3.

Allele frequency attached by ClinVar (database versions not stated): TOPMed 0.00001; gnomAD exomes 0.00002 and 0.00001; ExAC 0.00003; gnomAD 0.00004.

Submissions (3):

Labcorp Genetics (formerly Invitae), Labcorp
Classification: Uncertain significance for Dyskeratosis congenita, autosomal dominant 2; Idiopathic Pulmonary Fibrosis. Last evaluated: 2024-03-26. Review status: criteria provided, single submitter. Criteria: Invitae Variant Classification Sherloc (09022015). Collection method: clinical testing. Allele origin: germline.
Comment: This sequence change replaces arginine, which is basic and polar, with glutamine, which is neutral and polar, at codon 859 of the TERT protein (p.Arg859Gln). This variant is present in population databases (rs755183437, gnomAD 0.004%). This variant has not been reported in the literature in individuals affected with TERT-related conditions. ClinVar contains an entry for this variant (Variation ID: 962201). Advanced modeling of protein sequence and biophysical properties (such as structural, functional, and spatial information, amino acid conservation, physicochemical variation, residue mobility, and thermodynamic stability) performed at Invitae indicates that this missense variant is not expected to disrupt TERT protein function with a negative predictive value of 95%. In summary, the available evidence is currently insufficient to determine the role of this variant in disease. Therefore, it has been classified as a Variant of Uncertain Significance.

Fulgent Genetics
Classification: Uncertain significance for Acute myeloid leukemia; Dyskeratosis congenita, autosomal dominant 2; Pulmonary fibrosis and/or bone marrow failure, Telomere-related, 1; Melanoma, cutaneous malignant, susceptibility to, 9. Last evaluated: 2024-03-13. Review status: criteria provided, single submitter. Criteria: ACMG Guidelines, 2015. Collection method: clinical testing. Allele origin: germline.

Ambry Genetics
Classification: Likely benign for Dyskeratosis congenita. Last evaluated: 2022-12-12. Review status: criteria provided, single submitter. Criteria: Ambry Variant Classification Scheme 2023. Collection method: clinical testing. Allele origin: germline.

NM_198253.3(TERT):c.2576G>A (p.Arg859Gln)

Gene: TERT (telomerase reverse transcriptase; minus strand). Cytogenetic location: 5p15.33.
Variant type: single nucleotide variant.
Coding change: c.2576G>A on transcript NM_198253.3 (MANE Select); coding-DNA position 2576, G replaced by A.
Protein change: p.Arg859Gln; replaces arginine 859 with glutamine.
Molecular consequence: missense variant. On other transcripts: non-coding transcript variant (2).
Genome position (GRCh38, 1-based): chr5:1,268,526, C>T on the plus strand (G>A on the coding strand, the complement: TERT is on the minus strand). VCF-style: chr5-1268526-C-T. GRCh37 (hg19) VCF-style: chr5-1268641-C-T.
Other names: c.2576G>A, p.Arg859Gln (NM_001193376.3); short protein forms R859Q.
Identifiers: ClinVar variation 962201 (VCV000962201.11), dbSNP rs755183437, ClinGen allele CA3184462.